The following is an entry in ClinVar:

ClinVar aggregate classification (germline): Uncertain significance (1 of 4 stars; one submission).

Conditions:
Hereditary cancer-predisposing syndrome. Also called: Neoplastic Syndromes, Hereditary; Tumor predisposition; Hereditary Cancer Syndrome; Hereditary neoplastic syndrome. Identifiers: Orphanet 140162, MedGen C0027672, MeSH D009386, MONDO:0015356.

Submission:

Ambry Genetics
Classification: Uncertain significance for Hereditary cancer-predisposing syndrome. Last evaluated: 2025-11-10. Review status: criteria provided, single submitter. Criteria: Ambry Variant Classification Scheme 2023. Collection method: clinical testing. Allele origin: germline.
Comment: The c.211+5A>C intronic variant results from an A to C substitution 5 nucleotides after coding exon 3 in the PALB2 gene. This nucleotide position is well conserved in available vertebrate species. In silico splice site analysis predicts that this alteration will not have any significant effect on splicing. Based on the available evidence, the clinical significance of this variant remains unclear.

NM_024675.4(PALB2):c.211+5A>C

Gene: PALB2 (partner and localizer of BRCA2; minus strand). Cytogenetic location: 16p12.2.
Variant type: single nucleotide variant.
Coding change: c.211+5A>C on transcript NM_024675.4 (MANE Select); 5 bases into the intron after coding-DNA position 211, A replaced by C.
Molecular consequence: intron variant.
Genome position (GRCh38, 1-based): chr16:23,637,845, T>G on the plus strand (A>C on the coding strand, the complement: PALB2 is on the minus strand). VCF-style: chr16-23637845-T-G. GRCh37 (hg19) VCF-style: chr16-23649166-T-G.
Other names: c.-675+5A>C (NM_001407308.1, NM_001407306.1, NM_001407307.1 and 5 more transcripts); c.48+3265A>C (NM_001407314.1); c.-105+3265A>C (NM_001407313.1, NM_001407312.1); c.151+5A>C (NM_001407296.1); c.211+5A>C (NM_001407297.1, NM_001407302.1, NM_001407298.1 and 3 more transcripts).
Identifiers: ClinVar variation 4664051 (VCV004664051.1).